The following is an entry in ClinVar:

NM_015231.3(NUP160):c.1903A>G (p.Ile635Val)

Gene: NUP160 (nucleoporin 160; minus strand). Cytogenetic location: 11p11.2.
Variant type: single nucleotide variant.
Coding change: c.1903A>G on transcript NM_015231.3 (MANE Select); coding-DNA position 1903, A replaced by G.
Protein change: p.Ile635Val; replaces isoleucine 635 with valine.
Molecular consequence: missense variant. On other transcripts: non-coding transcript variant (1).
Genome position (GRCh38, 1-based): chr11:47,812,377, T>C on the plus strand (A>G on the coding strand, the complement: NUP160 is on the minus strand). VCF-style: chr11-47812377-T-C. GRCh37 (hg19) VCF-style: chr11-47833929-T-C.
Other names: c.2005A>G (NM_015231.1); short protein forms I635V.
Identifiers: ClinVar variation 2181116 (VCV002181116.4), dbSNP rs144811467, ClinGen allele CA5981150.

ClinVar aggregate classification (germline): Conflicting classifications of pathogenicity. Review status: criteria provided, conflicting classifications (1 of 4 stars). 2 submissions from 2 submitters: Uncertain significance (1); Likely benign (1). Last evaluated 2025-08-12.

Allele frequency attached by ClinVar (database versions not stated): ExAC 0.00015; gnomAD 0.00029; ESP Exome Variant Server 0.00031; TOPMed 0.00032; 1000 Genomes Project 0.00060; 1000 Genomes Project 30x 0.00062.
gnomAD v4.1: 90 of 1,613,840 alleles (0.0056%); highest among the groups gnomAD compares: African/African-American, 0.084%; no homozygotes.

Submissions (2):

Ambry Genetics
Classification: Likely benign. Last evaluated: 2025-08-12. Review status: criteria provided, single submitter. Criteria: Ambry Variant Classification Scheme 2023. Collection method: clinical testing. Allele origin: germline.

Labcorp Genetics (formerly Invitae), Labcorp
Classification: Uncertain significance. Last evaluated: 2025-06-12. Review status: criteria provided, single submitter. Criteria: Invitae Variant Classification Sherloc (09022015). Collection method: clinical testing. Allele origin: germline.
Comment: This sequence change replaces isoleucine, which is neutral and non-polar, with valine, which is neutral and non-polar, at codon 669 of the NUP160 protein (p.Ile669Val). This variant is present in population databases (rs144811467, gnomAD 0.1%). This variant has not been reported in the literature in individuals affected with NUP160-related conditions. ClinVar contains an entry for this variant (Variation ID: 2181116). An algorithm developed to predict the effect of missense changes on protein structure and function outputs the following: PolyPhen-2: "Benign". The valine amino acid residue is found in multiple mammalian species, which suggests that this missense change does not adversely affect protein function. In summary, the available evidence is currently insufficient to determine the role of this variant in disease. Therefore, it has been classified as a Variant of Uncertain Significance.